The following is an entry in ClinVar:

ClinVar aggregate classification (germline): Uncertain significance. Review status: criteria provided, multiple submitters, no conflicts (2 of 4 stars). 2 submissions from 2 submitters: Uncertain significance (2). Last evaluated 2025-02-14.

Conditions:
Hereditary cancer-predisposing syndrome. Also called: Hereditary neoplastic syndrome; Neoplastic Syndromes, Hereditary; Hereditary Cancer Syndrome; Tumor predisposition. Identifiers: Orphanet 140162, MedGen C0027672, MeSH D009386, MONDO:0015356.
Familial adenomatous polyposis 1 (FAP1). Also called: POLYPOSIS, ADENOMATOUS INTESTINAL; FAMILIAL ADENOMATOUS POLYPOSIS 1, ATTENUATED. Identifiers: MedGen C2713442, MONDO:0021056, OMIM 175100. Disease mechanism: loss of function.

Submissions (2):

Ambry Genetics
Classification: Uncertain significance for Hereditary cancer-predisposing syndrome. Last evaluated: 2025-02-14. Review status: criteria provided, single submitter. Criteria: Ambry Variant Classification Scheme 2023. Collection method: clinical testing. Allele origin: germline.
Comment: The p.A531T variant (also known as c.1591G>A), located in coding exon 12 of the APC gene, results from a G to A substitution at nucleotide position 1591. The alanine at codon 531 is replaced by threonine, an amino acid with similar properties. This amino acid position is highly conserved in available vertebrate species. In addition, in silico predictors for this gene do not accurately predict pathogenicity. Missense alterations in APC are not a common cause of disease (Spier I et al. Genet Med. 2024 Feb;26(2):100992). Based on the available evidence, the clinical significance of this variant remains unclear.

Labcorp Genetics (formerly Invitae), Labcorp
Classification: Uncertain significance for Familial adenomatous polyposis 1. Last evaluated: 2023-07-14. Review status: criteria provided, single submitter. Criteria: Invitae Variant Classification Sherloc (09022015). Collection method: clinical testing. Allele origin: germline.
Comment: In summary, the available evidence is currently insufficient to determine the role of this variant in disease. Therefore, it has been classified as a Variant of Uncertain Significance. Advanced modeling of protein sequence and biophysical properties (such as structural, functional, and spatial information, amino acid conservation, physicochemical variation, residue mobility, and thermodynamic stability) performed at Invitae indicates that this missense variant is not expected to disrupt APC protein function. ClinVar contains an entry for this variant (Variation ID: 1486913). This variant has not been reported in the literature in individuals affected with APC-related conditions. This variant is not present in population databases (gnomAD no frequency). This sequence change replaces alanine, which is neutral and non-polar, with threonine, which is neutral and polar, at codon 531 of the APC protein (p.Ala531Thr).

NM_000038.6(APC):c.1591G>A (p.Ala531Thr)

Gene: APC (APC regulator of Wnt signaling pathway; plus strand). Cytogenetic location: 5q22.2.
Variant type: single nucleotide variant.
Coding change: c.1591G>A on transcript NM_000038.6 (MANE Select); coding-DNA position 1591, G replaced by A.
Protein change: p.Ala531Thr; replaces alanine 531 with threonine.
Molecular consequence: missense variant.
Genome position (GRCh38, 1-based): chr5:112,827,971, G>A. VCF-style: chr5-112827971-G-A. GRCh37 (hg19) VCF-style: chr5-112163668-G-A.
Other names: c.1591G>A, p.Ala531Thr (NM_001127510.3, NM_001354895.2); c.1537G>A, p.Ala513Thr (NM_001127511.3); c.1645G>A, p.Ala549Thr (NM_001354896.2); c.1621G>A, p.Ala541Thr (NM_001354897.2); c.1516G>A, p.Ala506Thr (NM_001354898.2); c.1507G>A, p.Ala503Thr (NM_001354899.2); c.1468G>A, p.Ala490Thr (NM_001354900.2); c.1414G>A, p.Ala472Thr (NM_001354901.2); and 5 more; short protein forms A430T, A440T, A472T, A531T, A371T, A513T, A248T, A506T.
Identifiers: ClinVar variation 1486913 (VCV001486913.9), dbSNP rs2149813670, ClinGen allele CA16024779.